The following is an entry in ClinVar:

NM_001113490.2(AMOT):c.3023C>T (p.Pro1008Leu)

Gene: AMOT (angiomotin; minus strand). Cytogenetic location: Xq23.
Variant type: single nucleotide variant.
Coding change: c.3023C>T on transcript NM_001113490.2 (MANE Select); coding-DNA position 3023, C replaced by T.
Protein change: p.Pro1008Leu; replaces proline 1008 with leucine.
Molecular consequence: missense variant.
Genome position (GRCh38, 1-based): chrX:112,779,131, G>A on the plus strand (C>T on the coding strand, the complement: AMOT is on the minus strand). VCF-style: chrX-112779131-G-A. GRCh37 (hg19) VCF-style: chrX-112022359-G-A.
Other names: c.3023C>T, p.Pro1008Leu (NM_001386998.1, NM_001386999.1); c.1796C>T, p.Pro599Leu (NM_133265.5); short protein forms P1008L, P599L.
Identifiers: ClinVar variation 2661222 (VCV002661222.24), dbSNP rs764543196, ClinGen allele CA10494820.

ClinVar aggregate classification (germline): Likely benign (1 of 4 stars; one submission).

Allele frequency attached by ClinVar (database versions not stated): gnomAD 0.00001; gnomAD exomes 0.00001; ExAC 0.00003.
gnomAD v4.1: 10 of 1,089,366 alleles (0.00092%); highest among the groups gnomAD compares: African/African-American, 0.0037%; no homozygotes.

Submission:

CeGaT Center for Human Genetics Tuebingen
Classification: Likely benign. Last evaluated: 2023-01-01. Review status: criteria provided, single submitter. Criteria: CeGaT Center For Human Genetics Tuebingen Variant Classification Criteria Version 2. Collection method: clinical testing. Allele origin: germline. Affected: yes. Observed: 1 variant allele.
Comment: AMOT: BP4, BS2